The following is an entry in ClinVar:

NM_006767.4(LZTR1):c.1703A>G (p.Gln568Arg)

Gene: LZTR1 (leucine zipper like post translational regulator 1; plus strand). Cytogenetic location: 22q11.21.
Variant type: single nucleotide variant.
Coding change: c.1703A>G on transcript NM_006767.4 (MANE Select); coding-DNA position 1703, A replaced by G.
Protein change: p.Gln568Arg; replaces glutamine 568 with arginine.
Molecular consequence: missense variant.
Genome position (GRCh38, 1-based): chr22:20,994,645, A>G. VCF-style: chr22-20994645-A-G. GRCh37 (hg19) VCF-style: chr22-21348934-A-G.
Other names: short protein forms Q568R.
Identifiers: ClinVar variation 4101908 (VCV004101908.1).

ClinVar aggregate classification (germline): Uncertain significance (1 of 4 stars; one submission).

Conditions:
Cardiovascular phenotype. Identifiers: MedGen CN230736.
Hereditary cancer-predisposing syndrome. Also called: Tumor predisposition; Neoplastic Syndromes, Hereditary; Hereditary neoplastic syndrome; Hereditary Cancer Syndrome. Identifiers: Orphanet 140162, MedGen C0027672, MeSH D009386, MONDO:0015356.

gnomAD v4.1: 1 of 1,612,946 alleles (0.000062%); highest among the groups gnomAD compares: Non-Finnish European, 0.000085%; no homozygotes.

Submission:

Ambry Genetics
Classification: Uncertain significance for Cardiovascular phenotype; Hereditary cancer-predisposing syndrome. Last evaluated: 2025-07-24. Review status: criteria provided, single submitter. Criteria: Ambry Variant Classification Scheme 2023. Collection method: clinical testing. Allele origin: germline.
Comment: The p.Q568R variant (also known as c.1703A>G), located in coding exon 15 of the LZTR1 gene, results from an A to G substitution at nucleotide position 1703. The glutamine at codon 568 is replaced by arginine, an amino acid with highly similar properties. This amino acid position is conserved. In addition, the in silico prediction for this alteration is inconclusive. Based on the available evidence, the clinical significance of this variant remains unclear.